The following is an entry in ClinVar:

ClinVar aggregate classification (germline): Pathogenic (1 of 4 stars; one submission).

Conditions:
Medium-chain acyl-coenzyme A dehydrogenase deficiency (ACADMD). Also called: Medium chain acyl-CoA dehydrogenase deficiency; MCADH DEFICIENCY; MCADD; ACADM DEFICIENCY; CARNITINE DEFICIENCY SECONDARY TO MEDIUM-CHAIN ACYL-CoA DEHYDROGENASE DEFICIENCY; MCAD Deficiency. Identifiers: Orphanet 42, MedGen C0220710, MONDO:0008721, OMIM 201450.

Submission:

Labcorp Genetics (formerly Invitae), Labcorp
Classification: Pathogenic for Medium-chain acyl-coenzyme A dehydrogenase deficiency. Last evaluated: 2019-08-23. Review status: criteria provided, single submitter. Criteria: Invitae Variant Classification Sherloc (09022015). Collection method: clinical testing. Allele origin: germline.
Comment: This variant is a gross deletion of the genomic region encompassing exons 11-12 of the ACADM gene. The 5' boundary is likely confined to intron 10. The 3' end of this event is unknown as it extends through the termination codon beyond the assayed region for this gene and may encompass additional genes. While this deletion is not anticipated to result in nonsense mediated decay, it is expected to create a truncated protein product or disrupt mRNA translation. A similar variant has been reported to segregate with medium chain acyl-CoA dehydrogenase (MCAD) deficiency in a single family (PMID: 7633427). Two missense substitutions in this deleted region (p.Lys329Glu and p.Ile416Thr) have been determined to be pathogenic (PMID: 16763904,16737882, 15832312, 23028790, 16617240, 20434380, 23430840, 26947917). This suggests that this region is critical for ACADM protein function and that this deletion may also be pathogenic. For these reasons, this variant has been classified as Pathogenic.

Literature cited by the submitters: PubMed 16737882; PubMed 23430840; PubMed 20434380; PubMed 26947917; PubMed 23028790; PubMed 15832312; PubMed 7633427; PubMed 16617240; PubMed 16763904.

NC_000001.11:g.(?_75761102)_(75762783_?)del

Gene: ACADM (acyl-CoA dehydrogenase medium chain; plus strand). Cytogenetic location: 1p31.1.
Variant type: Deletion.
Identifiers: ClinVar variation 583848 (VCV000583848.3).